The following is an entry in ClinVar:

ClinVar aggregate classification (germline): Benign/Likely benign. Review status: criteria provided, multiple submitters, no conflicts (2 of 4 stars). 3 submissions from 3 submitters: Benign (1); Likely benign (2). Last evaluated 2026-01-03.

Conditions:
VAPB-related disorder. Also called: VAPB-related condition.
Amyotrophic lateral sclerosis type 8 (ALS8). Identifiers: Orphanet 803, MedGen C1837728, MONDO:0012077, OMIM 608627.
Adult-onset proximal spinal muscular atrophy, autosomal dominant. Also called: Spinal muscular atrophy, late-onset, finkel type; FINKEL LATE-ADULT TYPE SMA. Identifiers: Orphanet 209335, MedGen C1854058, MONDO:0008453, OMIM 182980.
Inborn genetic diseases. Identifiers: MedGen C0950123, MeSH D030342.

Allele frequency attached by ClinVar (database versions not stated): gnomAD 0.00006 and 0.00007; ExAC 0.00007; TOPMed 0.00008; gnomAD exomes 0.00011 and 0.00014; 1000 Genomes Project 30x 0.00016; 1000 Genomes Project 0.00020.
gnomAD v4.1: 173 of 1,614,102 alleles (0.011%); highest among the groups gnomAD compares: Admixed American, 0.062%; no homozygotes.

Submissions (3):

Labcorp Genetics (formerly Invitae), Labcorp
Classification: Benign for Adult-onset proximal spinal muscular atrophy, autosomal dominant; Amyotrophic lateral sclerosis type 8. Last evaluated: 2026-01-03. Review status: criteria provided, single submitter. Criteria: Invitae Variant Classification Sherloc (09022015). Collection method: clinical testing. Allele origin: germline.

PreventionGenetics, part of Exact Sciences
Classification: Likely benign for VAPB-related condition. Last evaluated: 2025-10-13. Review status: criteria provided, single submitter. Criteria: ACMG Guidelines, 2015. Collection method: clinical testing. Allele origin: germline.
Comment: This variant is classified as likely benign based on ACMG/AMP sequence variant interpretation guidelines (Richards et al. 2015 PMID: 25741868, with internal and published modifications).

Ambry Genetics
Classification: Likely benign for Inborn genetic diseases. Last evaluated: 2021-03-31. Review status: criteria provided, single submitter. Criteria: Ambry Variant Classification Scheme 2023. Collection method: clinical testing. Allele origin: germline.

NM_004738.5(VAPB):c.574-5C>T

Gene: VAPB (VAMP associated protein B and C; plus strand). Cytogenetic location: 20q13.32.
Variant type: single nucleotide variant.
Coding change: c.574-5C>T on transcript NM_004738.5 (MANE Select); 5 bases into the intron before coding-DNA position 574, C replaced by T.
Molecular consequence: intron variant.
Genome position (GRCh38, 1-based): chr20:58,444,072, C>T. VCF-style: chr20-58444072-C-T. GRCh37 (hg19) VCF-style: chr20-57019128-C-T.
Other names: c.212-5C>T (NM_001195677.2).
Identifiers: ClinVar variation 783195 (VCV000783195.15), dbSNP rs200211497, ClinGen allele CA9924307.